The following is an entry in ClinVar:

ClinVar aggregate classification (germline): Uncertain significance (1 of 4 stars; one submission).

Conditions:
Dilated cardiomyopathy 1J (CMD1J). Also called: CARDIOMYOPATHY, DILATED, WITH SENSORINEURAL HEARING LOSS, AUTOSOMAL DOMINANT. Identifiers: Orphanet 217622, MedGen C1854368, MONDO:0011541, OMIM 605362.

Submission:

Labcorp Genetics (formerly Invitae), Labcorp
Classification: Uncertain significance for Dilated cardiomyopathy 1J. Last evaluated: 2025-05-27. Review status: criteria provided, single submitter. Criteria: Invitae Variant Classification Sherloc (09022015). Collection method: clinical testing. Allele origin: germline.
Comment: This sequence change replaces tryptophan, which is neutral and slightly polar, with cysteine, which is neutral and slightly polar, at codon 511 of the EYA4 protein (p.Trp511Cys). This variant is not present in population databases (gnomAD no frequency). This variant has not been reported in the literature in individuals affected with EYA4-related conditions. ClinVar contains an entry for this variant (Variation ID: 1718997). Invitae Evidence Modeling of protein sequence and biophysical properties (such as structural, functional, and spatial information, amino acid conservation, physicochemical variation, residue mobility, and thermodynamic stability) indicates that this missense variant is expected to disrupt EYA4 protein function with a positive predictive value of 80%. In summary, the available evidence is currently insufficient to determine the role of this variant in disease. Therefore, it has been classified as a Variant of Uncertain Significance.

NM_004100.5(EYA4):c.1533G>C (p.Trp511Cys)

Genes: TARID (TCF21 antisense RNA inducing promoter demethylation; minus strand), EYA4 (EYA transcriptional coactivator and phosphatase 4; plus strand). Cytogenetic location: 6q23.2.
Variant type: single nucleotide variant.
Coding change: c.1533G>C on transcript NM_004100.5 (MANE Select); coding-DNA position 1533, G replaced by C.
Protein change: p.Trp511Cys; replaces tryptophan 511 with cysteine.
Molecular consequence: missense variant.
Genome position (GRCh38, 1-based): chr6:133,515,352, G>C. VCF-style: chr6-133515352-G-C. GRCh37 (hg19) VCF-style: chr6-133836490-G-C.
Other names: c.1371G>C, p.Trp457Cys (NM_001301012.2); c.1551G>C, p.Trp517Cys (NM_001301013.2); c.1464G>C, p.Trp488Cys (NM_001370458.1, NM_172103.4); c.1389G>C, p.Trp463Cys (NM_001370459.1); c.1533G>C, p.Trp511Cys (NM_172105.4); short protein forms W457C, W463C, W488C, W511C, W517C.
Identifiers: ClinVar variation 1718997 (VCV001718997.5), dbSNP rs2535379121, ClinGen allele CA365695380.